The following is an entry in ClinVar:

ClinVar aggregate classification (germline): Uncertain significance (1 of 4 stars; one submission).

Allele frequency attached by ClinVar (database versions not stated): gnomAD exomes below 0.00001.
gnomAD v4.1: 1 of 1,611,884 alleles (0.000062%); highest among the groups gnomAD compares: Admixed American, 0.0017%; no homozygotes.

Submission:

Labcorp Genetics (formerly Invitae), Labcorp
Classification: Uncertain significance. Last evaluated: 2022-02-05. Review status: criteria provided, single submitter. Criteria: Invitae Variant Classification Sherloc (09022015). Collection method: clinical testing. Allele origin: germline.
Comment: The frequency data for this variant in the population databases is considered unreliable, as metrics indicate poor data quality at this position in the gnomAD database. This variant has not been reported in the literature in individuals affected with CEP250-related conditions. Algorithms developed to predict the effect of missense changes on protein structure and function are either unavailable or do not agree on the potential impact of this missense change (SIFT: "Not Available"; PolyPhen-2: "Possibly Damaging"; Align-GVGD: "Not Available"). In summary, the available evidence is currently insufficient to determine the role of this variant in disease. Therefore, it has been classified as a Variant of Uncertain Significance. This sequence change replaces leucine, which is neutral and non-polar, with isoleucine, which is neutral and non-polar, at codon 858 of the CEP250 protein (p.Leu858Ile).

NM_007186.6(CEP250):c.2572C>A (p.Leu858Ile)

Genes: CEP250 (centrosomal protein 250; plus strand), CEP250-AS1 (CEP250 antisense RNA 1; minus strand). Cytogenetic location: 20q11.22.
Variant type: single nucleotide variant.
Coding change: c.2572C>A on transcript NM_007186.6 (MANE Select); coding-DNA position 2572, C replaced by A.
Protein change: p.Leu858Ile; replaces leucine 858 with isoleucine.
Molecular consequence: missense variant.
Genome position (GRCh38, 1-based): chr20:35,480,131, C>A. VCF-style: chr20-35480131-C-A. GRCh37 (hg19) VCF-style: chr20-34067956-C-A.
Other names: c.676C>A, p.Leu226Ile (NM_001318219.1); short protein forms L226I, L858I.
Identifiers: ClinVar variation 1504307 (VCV001504307.8), dbSNP rs1193178090, ClinGen allele CA408770134.
Genomic context (GRCh38, chr20:35,480,131, plus strand): 5'-CAAGAAGGGAAGACTGCCTTGGAGCAGCAGAAGGCAGCCCATGAGAAAGAGGTGAACCAG[C>A]TCCGGGAGAAATGGGTAAGTGGTCAATGTGGCCGGGTATGGCCTCCCTTCCATGAGTGCT-3'
Protein context (NP_009117.2, residues 848-868): KAAHEKEVNQ[Leu858Ile]REKWEKERSW